The following is an entry in ClinVar:

ClinVar aggregate classification (germline): Uncertain significance (1 of 4 stars; one submission).

gnomAD v4.1: 52 of 1,189,149 alleles (0.0044%); highest among the groups gnomAD compares: Non-Finnish European, 0.0055%; no homozygotes.

Submission:

Labcorp Genetics (formerly Invitae), Labcorp
Classification: Uncertain significance. Last evaluated: 2025-01-28. Review status: criteria provided, single submitter. Criteria: Invitae Variant Classification Sherloc (09022015). Collection method: clinical testing. Allele origin: germline.
Comment: This sequence change replaces asparagine, which is neutral and polar, with isoleucine, which is neutral and non-polar, at codon 32 of the GRIA3 protein (p.Asn32Ile). This variant is present in population databases (no rsID available, gnomAD 0.003%). This variant has not been reported in the literature in individuals affected with GRIA3-related conditions. Invitae Evidence Modeling of protein sequence and biophysical properties (such as structural, functional, and spatial information, amino acid conservation, physicochemical variation, residue mobility, and thermodynamic stability) indicates that this missense variant is not expected to disrupt GRIA3 protein function with a negative predictive value of 80%. In summary, the available evidence is currently insufficient to determine the role of this variant in disease. Therefore, it has been classified as a Variant of Uncertain Significance.

NM_007325.5(GRIA3):c.95A>T (p.Asn32Ile)

Gene: GRIA3 (glutamate ionotropic receptor AMPA type subunit 3; plus strand). Cytogenetic location: Xq25.
Variant type: single nucleotide variant.
Coding change: c.95A>T on transcript NM_007325.5 (MANE Select); coding-DNA position 95, A replaced by T.
Protein change: p.Asn32Ile; replaces asparagine 32 with isoleucine.
Molecular consequence: missense variant.
Genome position (GRCh38, 1-based): chrX:123,184,630, A>T. VCF-style: chrX-123184630-A-T. GRCh37 (hg19) VCF-style: chrX-122318482-A-T.
Other names: c.95A>T, p.Asn32Ile (NM_000828.5, NM_001256743.2); short protein forms N32I.
Identifiers: ClinVar variation 3715006 (VCV003715006.2).